The following is an entry in ClinVar:

NM_000540.3(RYR1):c.4677C>T (p.Asn1559=)

Gene: RYR1 (ryanodine receptor 1; plus strand). Cytogenetic location: 19q13.2.
Variant type: single nucleotide variant.
Coding change: c.4677C>T on transcript NM_000540.3 (MANE Select); coding-DNA position 4677, C replaced by T.
Protein change: p.Asn1559=; no amino-acid change (asparagine 1559 retained).
Molecular consequence: synonymous variant.
Genome position (GRCh38, 1-based): chr19:38,483,083, C>T. VCF-style: chr19-38483083-C-T. GRCh37 (hg19) VCF-style: chr19-38973723-C-T.
Other names: c.4677C>T, p.Asn1559= (NM_001042723.2).
Identifiers: ClinVar variation 509234 (VCV000509234.18), dbSNP rs186329476, ClinGen allele CA066357.

ClinVar aggregate classification (germline): Likely benign. Review status: criteria provided, multiple submitters, no conflicts (2 of 4 stars). 6 submissions from 6 submitters: Likely benign (6). Last evaluated 2026-02-02.

Conditions:
RYR1-related disorder. Also called: RYR1-related condition; RYR1-related disorders. Identifiers: MedGen CN239331.
Malignant hyperthermia, susceptibility to, 1 (MHS1). Also called: Anesthesia related hyperthermia; Malignant hyperpyrexia; Fulminating hyperpyrexia; Pharmacogenic myopathy; RYR1-Related Malignant Hyperthermia Susceptibility; Malignant hyperthermia suceptibility 1. Identifiers: Orphanet 423, MedGen C2930980, MONDO:0007783, OMIM 145600.

Allele frequency attached by ClinVar (database versions not stated): gnomAD exomes 0.00006 and 0.00013; ExAC 0.00019; ESP Exome Variant Server 0.00031; gnomAD 0.00069 and 0.00076; TOPMed 0.00085; 1000 Genomes Project 30x 0.00094; 1000 Genomes Project 0.00100.
gnomAD v4.1: 199 of 1,614,094 alleles (0.012%); highest among the groups gnomAD compares: African/African-American, 0.24%; 1 homozygote.

Submissions (6):

Labcorp Genetics (formerly Invitae), Labcorp
Classification: Likely benign for RYR1-related disorder. Last evaluated: 2026-02-02. Review status: criteria provided, single submitter. Criteria: Invitae Variant Classification Sherloc (09022015). Collection method: clinical testing. Allele origin: germline.

CeGaT Center for Human Genetics Tuebingen
Classification: Likely benign. Last evaluated: 2025-12-01. Review status: criteria provided, single submitter. Criteria: CeGaT Center For Human Genetics Tuebingen Variant Classification Criteria Version 2. Collection method: clinical testing. Allele origin: germline. Affected: yes. Observed: 1 variant allele.
Comment: RYR1: BP4, BP7

Blueprint Genetics
Classification: Likely benign. Last evaluated: 2024-05-03. Review status: criteria provided, single submitter. Criteria: ACMG Guidelines, 2015. Collection method: clinical testing. Allele origin: germline.

Color Diagnostics, LLC DBA Color Health
Classification: Likely benign for Malignant hyperthermia, susceptibility to, 1. Last evaluated: 2022-11-06. Review status: criteria provided, single submitter. Criteria: ACMG Guidelines, 2015. Collection method: clinical testing. Allele origin: germline.

GeneDx
Classification: Likely benign. Last evaluated: 2018-01-03. Review status: criteria provided, single submitter. Criteria: GeneDx Variant Classification (06012015). Collection method: clinical testing. Allele origin: germline. Affected: yes.
Comment: This variant is considered likely benign or benign based on one or more of the following criteria: it is a conservative change, it occurs at a poorly conserved position in the protein, it is predicted to be benign by multiple in silico algorithms, and/or has population frequency not consistent with disease.

PreventionGenetics, part of Exact Sciences
Classification: Likely benign. Last evaluated: 2017-03-31. Review status: criteria provided, single submitter. Criteria: ACMG Guidelines, 2015. Collection method: clinical testing. Allele origin: germline.